The following is an entry in ClinVar:

NM_003482.4(KMT2D):c.13354del (p.Ala4452fs)

Gene: KMT2D (lysine methyltransferase 2D; minus strand). Cytogenetic location: 12q13.12.
Variant type: Deletion.
Coding change: c.13354del on transcript NM_003482.4 (MANE Select); coding-DNA position 13354, one base deleted (G; older notation c.13354delG).
Protein change: p.Ala4452fs; shifts the reading frame from alanine 4452.
Molecular consequence: frameshift variant.
Genome position (GRCh38, 1-based): chr12:49,031,351, C deleted on the plus strand (G on the coding strand, the reverse complement: KMT2D is on the minus strand); the first of 2 consecutive C bases (chr12:49,031,351-49,031,352); deleting either gives the same sequence. VCF-style (leftmost placement, unchanged base first): chr12-49031350-GC-G. GRCh37 (hg19) VCF-style: chr12-49425133-GC-G.
Other names: short protein forms A4452fs.
Identifiers: ClinVar variation 4726706 (VCV004726706.1).

ClinVar aggregate classification (germline): Pathogenic (1 of 4 stars; one submission).

Conditions:
Kabuki syndrome. Also called: NIIKAWA-KUROKI SYNDROME; Kabuki make-up syndrome. Identifiers: Orphanet 2322, MedGen C0796004, MONDO:0016512.

Submission:

Labcorp Genetics (formerly Invitae), Labcorp
Classification: Pathogenic for Kabuki syndrome. Last evaluated: 2025-10-10. Review status: criteria provided, single submitter. Criteria: Invitae Variant Classification Sherloc (09022015). Collection method: clinical testing. Allele origin: germline.
Comment: This sequence change creates a premature translational stop signal (p.Ala4452Glnfs*67) in the KMT2D gene. It is expected to result in an absent or disrupted protein product. Loss-of-function variants in KMT2D are known to be pathogenic (PMID: 22126750). This variant is not present in population databases (gnomAD no frequency). This variant has not been reported in the literature in individuals affected with KMT2D-related conditions. For these reasons, this variant has been classified as Pathogenic.

Literature cited by the submitters: PubMed 22126750.